The following is an entry in ClinVar:

ClinVar aggregate classification (germline): Uncertain significance. Review status: criteria provided, multiple submitters, no conflicts (2 of 4 stars). 3 submissions from 3 submitters: Uncertain significance (3). Last evaluated 2021-12-18.

Conditions:
Inborn genetic diseases. Identifiers: MedGen C0950123, MeSH D030342.
Landau-Kleffner syndrome (FESD). Also called: EPILEPSY, FOCAL, WITH SPEECH DISORDER AND WITH OR WITHOUT MENTAL RETARDATION; APHASIA, ACQUIRED, WITH EPILEPSY. Identifiers: Orphanet 1945, Orphanet 725, Orphanet 98818, MedGen C0282512, MONDO:0009509, OMIM 245570.

Allele frequency attached by ClinVar (database versions not stated): gnomAD exomes below 0.00001 and 0.00002; gnomAD 0.00001; TOPMed 0.00001; ESP Exome Variant Server 0.00008; ExAC 0.00002.
gnomAD v4.1: 8 of 1,614,026 alleles (0.0005%); highest among the groups gnomAD compares: East Asian, 0.0022%; no homozygotes.

Submissions (3):

Labcorp Genetics (formerly Invitae), Labcorp
Classification: Uncertain significance for Landau-Kleffner syndrome. Last evaluated: 2021-12-18. Review status: criteria provided, single submitter. Criteria: Invitae Variant Classification Sherloc (09022015). Collection method: clinical testing. Allele origin: germline.
Comment: In summary, the available evidence is currently insufficient to determine the role of this variant in disease. Therefore, it has been classified as a Variant of Uncertain Significance. Advanced modeling of protein sequence and biophysical properties (such as structural, functional, and spatial information, amino acid conservation, physicochemical variation, residue mobility, and thermodynamic stability) performed at Invitae indicates that this missense variant is not expected to disrupt GRIN2A protein function. ClinVar contains an entry for this variant (Variation ID: 373549). This missense change has been observed in individual(s) with clinical features of GRIN2A-related conditions (PMID: 31098720). This variant is present in population databases (rs370107080, gnomAD 0.003%). This sequence change replaces glutamic acid, which is acidic and polar, with glutamine, which is neutral and polar, at codon 1055 of the GRIN2A protein (p.Glu1055Gln).

Ambry Genetics
Classification: Uncertain significance for Inborn genetic diseases. Last evaluated: 2018-01-10. Review status: criteria provided, single submitter. Criteria: Ambry Variant Classification Scheme 2023. Collection method: clinical testing. Allele origin: germline.
Comment: The p.E1055Q variant (also known as c.3163G>C), located in coding exon 12 of the GRIN2A gene, results from a G to C substitution at nucleotide position 3163. The glutamic acid at codon 1055 is replaced by glutamine, an amino acid with highly similar properties. This amino acid position is well conserved in available vertebrate species. In addition, this alteration is predicted to be tolerated by in silico analysis. Since supporting evidence is limited at this time, the clinical significance of this alteration remains unclear.

GeneDx
Classification: Uncertain significance. Last evaluated: 2016-12-01. Review status: criteria provided, single submitter. Criteria: GeneDx Variant Classification (06012015). Collection method: clinical testing. Allele origin: germline. Affected: yes.
Comment: A variant of uncertain significance has been identified in the GRIN2A gene. The E1055Q variant has not been published as a pathogenic variant, nor has it been reported as a benign variant to our knowledge. The E1055Q variant is not observed at a significant frequency in large population cohorts (Lek et al., 2016; 1000 Genomes Consortium et al., 2015; Exome Variant Server). The E1055Q variant is a semi-conservative amino acid substitution, which may impact secondary protein structure as these residues differ in some properties. This substitution occurs at a position where amino acids with similar properties to Glutamic acid are tolerated across species. However, missense variants in nearby residues have not been reported in the Human Gene Mutation Database in association with GRIN2A-related disorders (Stenson et al., 2014). In silico analysis is inconsistent in its predictions as to whether or not the variant is damaging to the protein structure/function. Therefore, based on the currently available information, it is unclear whether this variant is a pathogenic variant or a rare benign variant.

Literature cited by the submitters: PubMed 31098720 (cited by Labcorp Genetics (formerly Invitae), Labcorp).

NM_001134407.3(GRIN2A):c.3163G>C (p.Glu1055Gln)

Gene: GRIN2A (glutamate ionotropic receptor NMDA type subunit 2A; minus strand). Cytogenetic location: 16p13.2.
Variant type: single nucleotide variant.
Coding change: c.3163G>C on transcript NM_001134407.3 (MANE Select); coding-DNA position 3163, G replaced by C.
Protein change: p.Glu1055Gln; replaces glutamic acid 1055 with glutamine.
Molecular consequence: missense variant.
Genome position (GRCh38, 1-based): chr16:9,764,381, C>G on the plus strand (G>C on the coding strand, the complement: GRIN2A is on the minus strand). VCF-style: chr16-9764381-C-G. GRCh37 (hg19) VCF-style: chr16-9858238-C-G.
Other names: c.3163G>C, p.Glu1055Gln (NM_000833.5, NM_001134408.2); short protein forms E1055Q.
Identifiers: ClinVar variation 373549 (VCV000373549.8), dbSNP rs370107080, ClinGen allele CA7896360.